The following is an entry in ClinVar:

ClinVar aggregate classification (germline): Uncertain significance (1 of 4 stars; one submission).

Submission:

Women's Health and Genetics/Laboratory Corporation of America, LabCorp
Classification: Uncertain significance. Last evaluated: 2026-03-31. Review status: criteria provided, single submitter. Criteria: LabCorp Variant Classification Summary - May 2015. Collection method: clinical testing. Allele origin: germline.
Comment: Variant summary: The variant involves the duplication of exon 7 in the UNG gene. A presumed nomenclature of c.(801+1_802-1)_(*1024_?)dup has been designated for the purposes of this classification. The exact breakpoint at the 3' end of this variant is unknown, therefore this duplication may extend downstream of the annotated region of the gene. As it duplicates the termination codon, its effect on the encoded protein is unknown. The variant was absent in 21694 control chromosomes. The available data on variant occurrences in the general population are insufficient to allow any conclusion about variant significance. To our knowledge, no occurrence of c.(801+1_802-1)_(*1024_?)dup in individuals affected with UNG-related conditions and no experimental evidence demonstrating its impact on protein function have been reported. ClinVar contains an entry for this variant (Variation ID: 645881). Based on the evidence outlined above, the variant was classified as uncertain significance.

NC_000012.11:g.(109541417_109547633)_(109548798_?)dup

Gene: UNG (uracil DNA glycosylase; plus strand). Cytogenetic location: 12q24.11.
Variant type: Duplication.
Identifiers: ClinVar variation 4847206 (VCV004847206.1).